The following is an entry in ClinVar:

ClinVar aggregate classification (germline): Likely pathogenic (1 of 4 stars; one submission).

Conditions:
Osteogenesis imperfecta type I (OI1). Also called: OI, TYPE I; OSTEOGENESIS IMPERFECTA TARDA; OSTEOGENESIS IMPERFECTA WITH BLUE SCLERAE; Osteogenesis imperfecta type 1; Classic Non-deforming Osteogenesis Imperfecta with Blue Sclerae; Lobstein's Disease. Identifiers: Orphanet 216796, Orphanet 666, MedGen C0023931, MONDO:0008146, OMIM 166200. Disease mechanism: loss of function.
Ehlers-Danlos syndrome, classic type, 1 (EDSCL1). Also called: EHLERS-DANLOS SYNDROME, GRAVIS TYPE; EHLERS-DANLOS SYNDROME, SEVERE CLASSIC TYPE; EDS I; Ehlers-Danlos Syndrome, Classic Type, COL5A1-Related; Ehlers-Danlos syndrome, type 1. Identifiers: MedGen C0268335, MONDO:0019567, OMIM 130000.

Submission:

Labcorp Genetics (formerly Invitae), Labcorp
Classification: Likely pathogenic for Osteogenesis imperfecta type I; Ehlers-Danlos syndrome, classic type, 1. Last evaluated: 2021-08-04. Review status: criteria provided, single submitter. Criteria: Invitae Variant Classification Sherloc (09022015). Collection method: clinical testing. Allele origin: germline.
Comment: This sequence change replaces glycine with valine at codon 244 of the COL1A2 protein (p.Gly244Val). The glycine residue is highly conserved and there is a moderate physicochemical difference between glycine and valine. This variant is not present in population databases (ExAC no frequency). This variant has not been reported in the literature in individuals with COL1A2-related conditions. Glycine residues within the Gly-Xaa-Yaa repeats of the triple helix domain are required for the structure and stability of fibrillar collagens (PMID: 7695699, 8218237, 19344236). In COL1A2, variants affecting these glycine residues are significantly enriched in individuals with disease (PMID: 9016532, 17078022) compared to the general population (ExAC). In summary, the currently available evidence indicates that the variant is pathogenic, but additional data are needed to prove that conclusively. Therefore, this variant has been classified as Likely Pathogenic.

Literature cited by the submitters: PubMed 7695699; PubMed 8218237; PubMed 19344236; PubMed 9016532; PubMed 17078022.

NM_000089.4(COL1A2):c.731G>T (p.Gly244Val)

Gene: COL1A2 (collagen type I alpha 2 chain; plus strand). Cytogenetic location: 7q21.3.
Variant type: single nucleotide variant.
Coding change: c.731G>T on transcript NM_000089.4 (MANE Select); coding-DNA position 731, G replaced by T.
Protein change: p.Gly244Val; replaces glycine 244 with valine.
Molecular consequence: missense variant.
Genome position (GRCh38, 1-based): chr7:94,408,373, G>T. VCF-style: chr7-94408373-G-T. GRCh37 (hg19) VCF-style: chr7-94037685-G-T.
Other names: short protein forms G244V.
Identifiers: ClinVar variation 1067027 (VCV001067027.10), dbSNP rs1584318303, ClinGen allele CA368220406.